The following is an entry in ClinVar:

ClinVar aggregate classification (germline): Uncertain significance. Review status: criteria provided, multiple submitters, no conflicts (2 of 4 stars). 2 submissions from 2 submitters: Uncertain significance (2). Last evaluated 2025-01-29.

Conditions:
Joubert syndrome. Also called: CEREBELLOPARENCHYMAL DISORDER IV; JOUBERT-BOLTSHAUSER SYNDROME; Familial aplasia of the vermis. Identifiers: Orphanet 475, MedGen C5979921, MONDO:0018772.
Nephronophthisis. Also called: Juvenile Nephronophthisis. Identifiers: Orphanet 655, MedGen C0687120, MONDO:0019005, HP:0000090.
Meckel-Gruber syndrome. Also called: DYSENCEPHALIA SPLANCHNOCYSTICA; GRUBER SYNDROME; Dysencephalia splachnocystica. Identifiers: Orphanet 564, MedGen C0265215, MONDO:0018921.
Inborn genetic diseases. Identifiers: MedGen C0950123, MeSH D030342.

Allele frequency attached by ClinVar (database versions not stated): gnomAD exomes below 0.00001.
gnomAD v4.1: 4 of 1,602,182 alleles (0.00025%); highest among the groups gnomAD compares: South Asian, 0.0034%; no homozygotes.

Submissions (2):

Ambry Genetics
Classification: Uncertain significance for Inborn genetic diseases. Last evaluated: 2025-01-29. Review status: criteria provided, single submitter. Criteria: Ambry Variant Classification Scheme 2023. Collection method: clinical testing. Allele origin: germline.

Labcorp Genetics (formerly Invitae), Labcorp
Classification: Uncertain significance for Joubert syndrome; Meckel-Gruber syndrome; Nephronophthisis. Last evaluated: 2022-09-03. Review status: criteria provided, single submitter. Criteria: Invitae Variant Classification Sherloc (09022015). Collection method: clinical testing. Allele origin: germline.
Comment: This variant is not present in population databases (gnomAD no frequency). In summary, the available evidence is currently insufficient to determine the role of this variant in disease. Therefore, it has been classified as a Variant of Uncertain Significance. Algorithms developed to predict the effect of missense changes on protein structure and function output the following: SIFT: "Tolerated"; PolyPhen-2: "Benign"; Align-GVGD: "Class C0". The valine amino acid residue is found in multiple mammalian species, which suggests that this missense change does not adversely affect protein function. This variant has not been reported in the literature in individuals affected with CEP290-related conditions. This sequence change replaces isoleucine, which is neutral and non-polar, with valine, which is neutral and non-polar, at codon 727 of the CEP290 protein (p.Ile727Val).

NM_025114.4(CEP290):c.2179A>G (p.Ile727Val)

Gene: CEP290 (centrosomal protein 290; minus strand). Cytogenetic location: 12q21.32.
Variant type: single nucleotide variant.
Coding change: c.2179A>G on transcript NM_025114.4 (MANE Select); coding-DNA position 2179, A replaced by G.
Protein change: p.Ile727Val; replaces isoleucine 727 with valine.
Molecular consequence: missense variant.
Genome position (GRCh38, 1-based): chr12:88,111,732, T>C on the plus strand (A>G on the coding strand, the complement: CEP290 is on the minus strand). VCF-style: chr12-88111732-T-C. GRCh37 (hg19) VCF-style: chr12-88505509-T-C.
Other names: c.2179A>G (NM_025114.3); short protein forms I727V.
Identifiers: ClinVar variation 2064394 (VCV002064394.3), dbSNP rs1278326023, ClinGen allele CA385974931.
Genomic context (GRCh38, chr12:88,111,732, plus strand): 5'-TTTTATTTAATAAAATTCTCACCTTTAAATTAGCTTTTGCCAACTGCTGTGAATAATTTA[T>C]AGCCTCTTTCCGAGATTCCCTGAGCTCCTGTCTTAATTCTTCATTTCTTCCGGTAAGCTG-3'
Protein context (NP_079390.3, residues 717-737): QELRESRKEA[Ile727Val]NYSQQLAKAN